The following is an entry in ClinVar:

ClinVar aggregate classification (germline): Benign/Likely benign. Review status: criteria provided, multiple submitters, no conflicts (2 of 4 stars). 8 submissions from 8 submitters: Benign (4); Likely benign (3). 1 of the submissions does not count toward it. Last evaluated 2026-07-01.

Conditions:
ALX4-related disorder. Also called: ALX4-related condition.
Craniosynostosis 5, susceptibility to (CRS5). Identifiers: Orphanet 35093, MedGen C3809819, MONDO:0014232, OMIM 615529.
Frontonasal dysplasia with alopecia and genital anomaly. Identifiers: Orphanet 228390, MedGen C3150703, MONDO:0013268, OMIM 613451.
Parietal foramina 2 (PFM2). Identifiers: Orphanet 60015, MedGen C1865044, MONDO:0012309, OMIM 609597.

Allele frequency attached by ClinVar (database versions not stated): 1000 Genomes Project 0.00240; 1000 Genomes Project 30x 0.00265; gnomAD exomes 0.00708 and 0.01080; gnomAD 0.00710 and 0.00736; TOPMed 0.00727; ESP Exome Variant Server 0.00855; ExAC 0.01233.
gnomAD v4.1: 16,503 of 1,603,334 alleles (1%); highest among the groups gnomAD compares: Non-Finnish European, 1.3%; 114 homozygotes.

Submissions (8):

CeGaT Center for Human Genetics Tuebingen
Classification: Benign. Last evaluated: 2026-07-01. Review status: criteria provided, single submitter. Criteria: CeGaT Center For Human Genetics Tuebingen Variant Classification Criteria Version 2. Collection method: clinical testing. Allele origin: germline. Affected: yes. Observed: 10 variant alleles.
Comment: ALX4: BP4, BS1, BS2

Labcorp Genetics (formerly Invitae), Labcorp
Classification: Benign. Last evaluated: 2026-01-16. Review status: criteria provided, single submitter. Criteria: Invitae Variant Classification Sherloc (09022015). Collection method: clinical testing. Allele origin: germline.

Blueprint Genetics
Classification: Likely benign. Last evaluated: 2024-11-27. Review status: criteria provided, single submitter. Criteria: ACMG Guidelines, 2015. Collection method: clinical testing. Allele origin: germline.

Fulgent Genetics
Classification: Benign for Parietal foramina 2; Frontonasal dysplasia with alopecia and genital anomaly; Craniosynostosis 5, susceptibility to. Last evaluated: 2021-07-08. Review status: criteria provided, single submitter. Criteria: ACMG Guidelines, 2015. Collection method: clinical testing. Allele origin: unknown.

GeneDx
Classification: Likely benign. Last evaluated: 2021-04-19. Review status: criteria provided, single submitter. Criteria: GeneDx Variant Classification Process June 2021. Collection method: clinical testing. Allele origin: germline. Affected: yes.

Illumina Laboratory Services, Illumina
Classification: Benign for Parietal foramina 2. Last evaluated: 2018-01-13. Review status: criteria provided, single submitter. Criteria: ICSL Variant Classification Criteria 13 December 2019. Collection method: clinical testing. Allele origin: germline.
Comment: This variant was observed in the ICSL laboratory as part of a predisposition screen in an ostensibly healthy population. It had not been previously curated by ICSL or reported in the Human Gene Mutation Database (HGMD: prior to June 1st, 2018), and was therefore a candidate for classification through an automated scoring system. Utilizing variant allele frequency, disease prevalence and penetrance estimates, and inheritance mode, an automated score was calculated to assess if this variant is too frequent to cause the disease. Based on the score and internal cut-off values, a variant classified as benign is not then subjected to further curation. The score for this variant resulted in a classification of benign for this disease.

Breakthrough Genomics
Classification: Likely benign. Review status: criteria provided, single submitter. Criteria: ACMG Guidelines, 2015. Collection method: not provided. Allele origin: germline. Inheritance: Autosomal recessive inheritance. Affected: yes.

PreventionGenetics, part of Exact Sciences
Classification: Benign for ALX4-related condition. Last evaluated: 2022-08-26. Review status: no assertion criteria provided. Collection method: clinical testing. Allele origin: germline. Not counted in ClinVar's aggregate classification.
Comment: This variant is classified as benign based on ACMG/AMP sequence variant interpretation guidelines (Richards et al. 2015 PMID: 25741868, with internal and published modifications).

NM_021926.4(ALX4):c.63C>T (p.Tyr21=)

Gene: ALX4 (ALX homeobox 4; minus strand). Cytogenetic location: 11p11.2.
Variant type: single nucleotide variant.
Coding change: c.63C>T on transcript NM_021926.4 (MANE Select); coding-DNA position 63, C replaced by T.
Protein change: p.Tyr21=; no amino-acid change (tyrosine 21 retained).
Molecular consequence: synonymous variant.
Genome position (GRCh38, 1-based): chr11:44,310,000, G>A on the plus strand (C>T on the coding strand, the complement: ALX4 is on the minus strand). VCF-style: chr11-44310000-G-A. GRCh37 (hg19) VCF-style: chr11-44331550-G-A.
Other names: c.63C>T, p.Tyr21= (LRG_1256t1).
Identifiers: ClinVar variation 304717 (VCV000304717.39), dbSNP rs61737298, ClinGen allele CA5955820.